The following is an entry in ClinVar:

NM_007325.5(GRIA3):c.1993A>G (p.Ile665Val)

Gene: GRIA3 (glutamate ionotropic receptor AMPA type subunit 3; plus strand). Cytogenetic location: Xq25.
Variant type: single nucleotide variant.
Coding change: c.1993A>G on transcript NM_007325.5 (MANE Select); coding-DNA position 1993, A replaced by G.
Protein change: p.Ile665Val; replaces isoleucine 665 with valine.
Molecular consequence: missense variant.
Genome position (GRCh38, 1-based): chrX:123,428,056, A>G. VCF-style: chrX-123428056-A-G. GRCh37 (hg19) VCF-style: chrX-122561907-A-G.
Other names: c.1993A>G, p.Ile665Val (NM_000828.5); short protein forms I665V.
Identifiers: ClinVar variation 4293160 (VCV004293160.1).

ClinVar aggregate classification (germline): Uncertain significance (1 of 4 stars; one submission).

Conditions:
Syndromic X-linked intellectual disability 94 (MRXSW). Also called: X-linked intellectual disability due to GRIA3 anomalies; MENTAL RETARDATION, X-LINKED, SYNDROMIC 29. Identifiers: Orphanet 364028, MedGen C2678051, MONDO:0010402, OMIM 300699.

Submission:

3billion
Classification: Uncertain significance for Syndromic X-linked intellectual disability 94. Last evaluated: 2025-01-30. Review status: criteria provided, single submitter. Criteria: ACMG Guidelines, 2015. Collection method: clinical testing. Allele origin: germline. Affected: yes.
Comment: The variant is not observed in the gnomAD v4.1.0 dataset. Predicted Consequence/Location: Missense variant. Missense changes are a common disease-causing mechanism. In silico tool predictions suggest damaging effect of the variant on gene or gene product [REVEL: 0.33 (>=0.6, sensitivity 0.68 and specificity 0.92); 3Cnet: 0.99 (>=0.6, sensitivity 0.72 and precision 0.9)]. A different missense change at the same codon (p.Ile665Thr) has been reported to be associated with GRIA3-related disorder (ClinVar ID: VCV001704977). However the evidence of pathogenicity is insufficient at this time. Therefore, this variant is classified as VUS according to the recommendation of ACMG/AMP guideline.